The following is an entry in ClinVar:

ClinVar aggregate classification (germline): Uncertain significance (1 of 4 stars; one submission).

gnomAD v4.1: 38 of 1,613,680 alleles (0.0024%); highest among the groups gnomAD compares: Middle Eastern, 0.017%; no homozygotes.

Submission:

Labcorp Genetics (formerly Invitae), Labcorp
Classification: Uncertain significance. Last evaluated: 2025-10-08. Review status: criteria provided, single submitter. Criteria: Invitae Variant Classification Sherloc (09022015). Collection method: clinical testing. Allele origin: germline.
Comment: This sequence change replaces alanine, which is neutral and non-polar, with threonine, which is neutral and polar, at codon 1380 of the POLR1A protein (p.Ala1380Thr). This variant is present in population databases (rs546896040, gnomAD 0.009%). This variant has not been reported in the literature in individuals affected with POLR1A-related conditions. Invitae Evidence Modeling of protein sequence and biophysical properties (such as structural, functional, and spatial information, amino acid conservation, physicochemical variation, residue mobility, and thermodynamic stability) indicates that this missense variant is not expected to disrupt POLR1A protein function with a negative predictive value of 80%. In summary, the available evidence is currently insufficient to determine the role of this variant in disease. Therefore, it has been classified as a Variant of Uncertain Significance.

NM_015425.6(POLR1A):c.4138G>A (p.Ala1380Thr)

Gene: POLR1A (RNA polymerase I subunit A; minus strand). Cytogenetic location: 2p11.2.
Variant type: single nucleotide variant.
Coding change: c.4138G>A on transcript NM_015425.6 (MANE Select); coding-DNA position 4138, G replaced by A.
Protein change: p.Ala1380Thr; replaces alanine 1380 with threonine.
Molecular consequence: missense variant.
Genome position (GRCh38, 1-based): chr2:86,033,684, C>T on the plus strand (G>A on the coding strand, the complement: POLR1A is on the minus strand). VCF-style: chr2-86033684-C-T. GRCh37 (hg19) VCF-style: chr2-86260807-C-T.
Other names: short protein forms A1380T.
Identifiers: ClinVar variation 4751481 (VCV004751481.1).